The following is an entry in ClinVar:

NM_007146.3(VEZF1):c.671A>C (p.His224Pro)

Gene: VEZF1 (vascular endothelial zinc finger 1; minus strand). Cytogenetic location: 17q22.
Variant type: single nucleotide variant.
Coding change: c.671A>C on transcript NM_007146.3 (MANE Select); coding-DNA position 671, A replaced by C.
Protein change: p.His224Pro; replaces histidine 224 with proline.
Molecular consequence: missense variant.
Genome position (GRCh38, 1-based): chr17:57,982,756, T>G on the plus strand (A>C on the coding strand, the complement: VEZF1 is on the minus strand). VCF-style: chr17-57982756-T-G. GRCh37 (hg19) VCF-style: chr17-56060117-T-G.
Other names: c.644A>C, p.His215Pro (NM_001330393.2); short protein forms H215P, H224P.
Identifiers: ClinVar variation 2633243 (VCV002633243.1), dbSNP rs2509235797, ClinGen allele CA399939957.

ClinVar aggregate classification (germline): Uncertain significance (1 of 4 stars; one submission).

Conditions:
VEZF1-related disorder. Also called: VEZF1-related condition.

Submission:

PreventionGenetics, part of Exact Sciences
Classification: Uncertain significance for VEZF1-related condition. Last evaluated: 2023-06-09. Review status: criteria provided, single submitter. Criteria: ACMG Guidelines, 2015. Collection method: clinical testing. Allele origin: germline.
Comment: The VEZF1 c.671A>C variant is predicted to result in the amino acid substitution p.His224Pro. To our knowledge, this variant has not been reported in the literature or in a large population database, indicating this variant is rare. At this time, the clinical significance of this variant is uncertain due to the absence of conclusive functional and genetic evidence.